The following is an entry in ClinVar:

ClinVar aggregate classification (germline): Uncertain significance. Review status: criteria provided, multiple submitters, no conflicts (2 of 4 stars). 3 submissions from 3 submitters: Uncertain significance (2). 1 of the submissions does not count toward it. Last evaluated 2024-12-23.

Conditions:
PNPT1-related disorder. Also called: PNPT1-related condition; PNPT1-related disorders.

Allele frequency attached by ClinVar (database versions not stated): gnomAD exomes 0.00003 and 0.00004; ExAC 0.00007; ESP Exome Variant Server 0.00008; gnomAD 0.00016 and 0.00018; TOPMed 0.00022.
gnomAD v4.1: 63 of 1,567,176 alleles (0.004%); highest among the groups gnomAD compares: African/African-American, 0.079%; no homozygotes.

Submissions (3):

Labcorp Genetics (formerly Invitae), Labcorp
Classification: Uncertain significance. Last evaluated: 2024-12-23. Review status: criteria provided, single submitter. Criteria: Invitae Variant Classification Sherloc (09022015). Collection method: clinical testing. Allele origin: germline.
Comment: This sequence change falls in intron 26 of the PNPT1 gene. It does not directly change the encoded amino acid sequence of the PNPT1 protein. It affects a nucleotide within the consensus splice site. This variant is present in population databases (rs374690825, gnomAD 0.07%). This variant has not been reported in the literature in individuals affected with PNPT1-related conditions. ClinVar contains an entry for this variant (Variation ID: 489141). Variants that disrupt the consensus splice site are a relatively common cause of aberrant splicing (PMID: 17576681, 9536098). Algorithms developed to predict the effect of sequence changes on RNA splicing suggest that this variant is not likely to affect RNA splicing. In summary, the available evidence is currently insufficient to determine the role of this variant in disease. Therefore, it has been classified as a Variant of Uncertain Significance.

GeneDx
Classification: Uncertain significance. Last evaluated: 2024-10-28. Review status: criteria provided, single submitter. Criteria: GeneDx Variant Classification Process June 2021. Collection method: clinical testing. Allele origin: germline. Affected: yes.
Comment: In silico analysis indicates that this variant does not alter splicing; Has not been previously published as pathogenic or benign to our knowledge

PreventionGenetics, part of Exact Sciences
Classification: Likely benign for PNPT1-related condition. Last evaluated: 2019-03-18. Review status: no assertion criteria provided. Collection method: clinical testing. Allele origin: germline. Not counted in ClinVar's aggregate classification.
Comment: This variant is classified as likely benign based on ACMG/AMP sequence variant interpretation guidelines (Richards et al. 2015 PMID: 25741868, with internal and published modifications).

Literature cited by the submitters: PubMed 17576681 (cited by Labcorp Genetics (formerly Invitae), Labcorp); PubMed 9536098 (cited by Labcorp Genetics (formerly Invitae), Labcorp).

NM_033109.5(PNPT1):c.2148+6A>T

Gene: PNPT1 (polyribonucleotide nucleotidyltransferase 1; minus strand). Cytogenetic location: 2p16.1.
Variant type: single nucleotide variant.
Coding change: c.2148+6A>T on transcript NM_033109.5 (MANE Select); 6 bases into the intron after coding-DNA position 2148, A replaced by T.
Molecular consequence: intron variant.
Genome position (GRCh38, 1-based): chr2:55,640,621, T>A on the plus strand (A>T on the coding strand, the complement: PNPT1 is on the minus strand). VCF-style: chr2-55640621-T-A. GRCh37 (hg19) VCF-style: chr2-55867756-T-A.
Identifiers: ClinVar variation 489141 (VCV000489141.9), dbSNP rs374690825, ClinGen allele CA1667796.